The following continues an entry in ClinVar:

NM_004004.6(GJB2):c.551G>C (p.Arg184Pro)

Gene: GJB2. ClinVar aggregate classification (germline): Pathogenic. Pathogenic (19).

Submissions 8 to 14 of 24:

Victorian Clinical Genetics Services, Murdoch Childrens Research Institute
Classification: Pathogenic for Autosomal recessive nonsyndromic hearing loss 1A. Last evaluated: 2023-12-20. Review status: criteria provided, single submitter. Criteria: ACMG Guidelines, 2015. Collection method: clinical testing. Allele origin: germline. Inheritance: Autosomal recessive inheritance. Affected: yes.
Comment: Based on the classification scheme VCGS_Germline_v1.3.4, this variant is classified as Pathogenic. Following criteria are met: 0102 - Loss of function is a known mechanism of disease in this gene and is associated with both deafness and skin conditions (OMIM). Dominant negative is also a suggested mechanism (PMID: 28428247). (I) 0108 - This gene is associated with both recessive and dominant disease. The autosomal dominant diseases are commonly associated with pathogenic missense variants. The autosomal recessive disease is associated with bi-allelic loss-of-function variants and includes missense and protein truncating variants (NIH Genetics Home Reference, PMID: 12792423). (I) 0112 - The condition associated with this gene has incomplete penetrance (PMID:31160754). (I) 0115 - Variants in this gene are known to have variable expressivity. Severity can range from mild to profound with intrafamilial variability also commonly seen. Commonly, truncating variants are associated to a more severe hearing loss (PMID: 20301449). (I) 0200 - Variant is predicted to result in a missense amino acid change from arginine to proline. (I) 0251 - This variant is heterozygous. (I) 0304 - Variant is present in gnomAD v2 <0.01 for a recessive condition (17 heterozygotes, 0 homozygote). (SP) 0309 - An alternative amino acid change at the same position has been observed in gnomAD (v2) (5 heterozygote, 0 homozygote). (I) 0501 - Missense variant consistently predicted to be damaging by multiple in silico tools or highly conserved with a major amino acid change. (SP) 0600 - Variant is located in the annotated connexin domain (DECIPHER). (I) 0704 – Another missense variant comparable to the one identified in this case has limited previous evidence for pathogenicity. p.(Arg184Trp) has previously been classified as pathogenic in ClinVar and the Deafness Variation db. This variant has also been identified in 4 individuals with hearing loss, 3 of which were identified with another pathogenic variant, and 1 in a heterozygous state (PMID:26096904). (SP) 0801 - This variant has very strong previous evidence of pathogenicity in unrelated individuals. This variant has been identified in many individuals with hearing loss and with other pathogenic variants (ClinVar, Deafness Variation db, PMID:36672810, PMID: 31569309). (SP) 1208 - Inheritance information for this variant is not currently available in this individual. (I) Legend: (SP) - Supporting pathogenic, (I) - Information, (SB) - Supporting benign

Laboratory for Molecular Medicine, Mass General Brigham Personalized Medicine
Classification: Pathogenic for Rare genetic deafness. Last evaluated: 2022-08-26. Review status: criteria provided, single submitter. Criteria: ACMG Guidelines, 2015. Collection method: clinical testing. Allele origin: germline.
Comment: The p.Arg184Pro variant in GJB2 has been identified in the homozygous or compound heterozygous state in more than 50 individuals with hearing loss, and in vitro functional studies provide some evidence that this variant may impact protein function (Thonnissen 2002 PMID: 12189493, Bruzzone 2003 PMID: 12505163, Mani 2009 PMID: 18941476). This variant has been identified in 1/11568 of Latino chromosomes, 1/16592 of South Asian chromosomes, and 3/67458 of European chromosomes by the Exome Aggregation Consortium (ExAC; dbSNP rs80338950). Although this variant has been seen in the general population, its frequency is low enough to be consistent with a recessive carrier frequency. In summary, the p.Arg184Pro variant meets our criteria to be classified as pathogenic for autosomal recessive hearing loss based upon strong association with the disease, low frequency in the general population, and supportive functional evidence. ACMG/AMP criteria applied: PM3_VeryStrong, PM2_Supporting, PP3, PS3_Supporting.

GeneDx
Classification: Pathogenic. Last evaluated: 2022-02-07. Review status: criteria provided, single submitter. Criteria: GeneDx Variant Classification Process June 2021. Collection method: clinical testing. Allele origin: germline. Affected: yes.
Comment: Published functional studies demonstrate a damaging effect; variant results in the failure of intracellular coupling and gap junction channel formation (Thnnissen et al., 2002; Bruzzone et al., 2003); A different missense change at this residue (p.(R184W) has been reported as pathogenic in the published literature and at GeneDxin association with autosomal recessive GJB2-related hearing loss (Wilcox et al., 2000); In silico analysis supports that this missense variant has a deleterious effect on protein structure/function; This variant is associated with the following publications: (PMID: 24529908, 15967879, 17485979, 12176179, 11551103, 22808909, 15666300, 9336442, 15855033, 12417772, 19173109, 15365987, 19715472, 19941053, 18560174, 19371219, 19125024, 14985372, 26381000, 17935238, 16380907, 21465647, 18941476, 12505163, 22975760, 10544226, 25388846, 26117665, 25085637, 17666888, 31980526, 32300592, 12176036, 34426522, 33096615, 31589614, 32067424, 10874298, 12189493, 25708704, 17041943, 27535533, 24158611, 10982180, 10830906)

Department of Pathology and Laboratory Medicine, Sinai Health System
Classification: Pathogenic for X-linked mixed hearing loss with perilymphatic gusher; Mutilating keratoderma; Autosomal dominant nonsyndromic hearing loss 3A; Palmoplantar keratoderma-deafness syndrome; Knuckle pads, deafness AND leukonychia syndrome; Autosomal recessive nonsyndromic hearing loss 1A; Autosomal dominant keratitis-ichthyosis-hearing loss syndrome. Last evaluated: 2021-12-17. Review status: criteria provided, single submitter. Criteria: ACMG Guidelines, 2015. Collection method: research. Allele origin: germline.

ARUP Laboratories, Molecular Genetics and Genomics, ARUP Laboratories
Classification: Pathogenic. Last evaluated: 2020-11-25. Review status: criteria provided, single submitter. Criteria: ARUP Molecular Germline Variant Investigation Process 2021. Collection method: clinical testing. Allele origin: germline.
Comment: The GJB2 c.551G>C; p.Arg184Pro variant (rs80338950) has been described in a homozygous or compound heterozygous state in several individuals and families with nonsyndomic hearing loss (Denoyelle 1997, Dodson 2011, Keivani 2015). In addition, functional assays suggest that this variant impairs membrane trafficking, intercellular coupling, and hemichannel formation (Bruzzone 2003, Mani 2009, Thonnissen 2002). This variant is reported as pathogenic in ClinVar (Variation ID: 17007), and is observed in the general population at a low allele frequency of 0.006% (17/282684 alleles) in the Genome Aggregation Database. The arginine at codon 184 is highly conserved, and computational algorithms (SIFT, PolyPhen2) predict this variant to be damaging to the protein. Additionally, other amino acid substitutions at this codon (Gln, Gly, Trp) have been reported in individuals with hearing loss and are considered disease-causing (Pang 2014, Wang 2000, Zoll 2003). Based on the above information, p.Arg184Pro is considered pathogenic for autosomal recessive hearing loss. References: Bruzzone R et al. Loss-of-function and residual channel activity of connexin26 mutations associated with non-syndromic deafness. FEBS Lett. 2003 Jan 2;533(1-3):79-88. Denoyelle F et al. Prelingual deafness: high prevalence of a 30delG mutation in the connexin 26 gene. Hum Mol Genet. 1997 Nov;6(12):2173-7. Dodson KM et al. Vestibular dysfunction in DFNB1 deafness. Am J Med Genet A. 2011 May;155A(5):993-1000. Keivani A et al. A new compound heterozygous mutation in GJB2 causes nonsyndromic hearing loss in a consanguineous Iranian family. Int J Pediatr Otorhinolaryngol. 2015 Apr;79(4):553-6. Mani RS et al. Functional consequences of novel connexin 26 mutations associated with hereditary hearing loss. Eur J Hum Genet. 2009 Apr;17(4):502-9. Pang X et al. Characterization of spectrum, de novo rate and genotype-phenotype correlation of dominant GJB2 mutations in Chinese hans. PLoS One. 2014 Jun 19;9(6):e100483. Thonnissen E et al. Human connexin26 (GJB2) deafness mutations affect the function of gap junction channels at different levels of protein expression. Hum Genet. 2002 Aug;111(2):190-7. Wilcox SA et al. High frequency hearing loss correlated with mutations in the GJB2 gene. Hum Genet. 2000 Apr;106(4):399-405. Zoll B et al. Evaluation of Cx26/GJB2 in German hearing impaired persons: mutation spectrum and detection of disequilibrium between M34T (c.101T>C) and -493del10. Hum Mutat. 2003 Jan;21(1):98.

INGEBI, INGEBI / CONICET
Classification: Pathogenic for Nonsyndromic hearing loss and deafness. Last evaluated: 2020-08-31. Review status: criteria provided, single submitter. Criteria: ClinGen HL ACMG Specifications v1. Collection method: clinical testing. Allele origin: germline. Inheritance: Autosomal recessive inheritance. Affected: yes. Observed: 4 variant alleles, 4 compound heterozygotes. Clinical features observed: Prelingual moderate to profound hearing loss.
Comment: Based on ACMG/AMP guidelines and Hearing Loss Expert Panel specific criteria: the filter allele frequency of c.551G>C, p.Arg184Pro variant in GJB2 gene is 0,0038% (4/35426 Latino alleles with 95% CI) from Genome Aggregation Database (calculated by using inverse allele frequency at an online resource), which meets the PM2 criteria. This variant was identified at least in five individuals in trans with several known pathogenic variants (PM3_VeryStrong; PMID: 24158611, 10874298, 10982180, 11551103, 12176179, 16380907, 16380907, 17485979). Computational evidence predicted a damage impact of the mutation to the protein meeting PP3 rule (REVELscore: 0,983) Functional studies demonstrated that: mutant protein is neither trafficked to membrane nor able to oligomerize efficiently and unable to form functional GJCh in HeLa cells (PMID: 12176036, 1218943). Moreover, p.Arg184Pro mutant did not induce the formation of homotypic junctional channels, since the levels of conductance measured never exceeded background values in Xenopus laevis oocytes (PMID: 12505163), PS3_Moderate Therefore, this variant meets criteria to be classified as pathogenic for autosomal recessive non-syndromic hearing loss (PM2, PM3_VeryStrong, PP3 and PS3_Moderate).

Athena Diagnostics
Classification: Pathogenic. Last evaluated: 2020-07-23. Review status: criteria provided, single submitter. Criteria: Athena Diagnostics Criteria. Collection method: clinical testing. Allele origin: unknown.
Comment: The frequency of this variant in the general population is consistent with pathogenicity. Found in at least one patient with expected phenotype for this gene. Predicted to have a damaging effect on the protein. Other pathogenic or likely pathogenic variants affect the same amino acid. In multiple individuals, this variant has been seen with a single recessive pathogenic variant in the same gene, suggesting this variant may also be pathogenic. Assessment of experimental evidence suggests this variant results in abnormal protein function. Strong co-segregation with disease, and data include affected and unaffected individuals from multiple families.